The following is an entry in ClinVar:

NM_006269.2(RP1):c.1280A>C (p.Asn427Thr)

Gene: RP1 (RP1 axonemal microtubule associated; plus strand). Cytogenetic location: 8q12.1.
Variant type: single nucleotide variant.
Coding change: c.1280A>C on transcript NM_006269.2 (MANE Select); coding-DNA position 1280, A replaced by C.
Protein change: p.Asn427Thr; replaces asparagine 427 with threonine.
Molecular consequence: missense variant. On other transcripts: intron variant (1).
Genome position (GRCh38, 1-based): chr8:54,625,162, A>C. VCF-style: chr8-54625162-A-C. GRCh37 (hg19) VCF-style: chr8-55537722-A-C.
Other names: c.787+2874A>C (NM_001375654.1); short protein forms N427T.
Identifiers: ClinVar variation 910944 (VCV000910944.13), dbSNP rs1331133343, ClinGen allele CA370989821.

ClinVar aggregate classification (germline): Uncertain significance. Review status: criteria provided, multiple submitters, no conflicts (2 of 4 stars). 2 submissions from 2 submitters: Uncertain significance (2). Last evaluated 2024-10-23.

Conditions:
Retinitis pigmentosa (RP). Identifiers: Orphanet 791, MedGen C0035334, MeSH D012174, MONDO:0019200, OMIM 268000. Inheritance: Autosomal dominant, autosomal recessive and X linked inheritance.

Allele frequency attached by ClinVar (database versions not stated): gnomAD exomes below 0.00001; TOPMed below 0.00001.
gnomAD v4.1: 3 of 1,614,174 alleles (0.00019%); highest among the groups gnomAD compares: Non-Finnish European, 0.00025%; no homozygotes.

Submissions (2):

Labcorp Genetics (formerly Invitae), Labcorp
Classification: Uncertain significance. Last evaluated: 2024-10-23. Review status: criteria provided, single submitter. Criteria: Invitae Variant Classification Sherloc (09022015). Collection method: clinical testing. Allele origin: germline.
Comment: This sequence change replaces asparagine, which is neutral and polar, with threonine, which is neutral and polar, at codon 427 of the RP1 protein (p.Asn427Thr). This variant is not present in population databases (gnomAD no frequency). This variant has not been reported in the literature in individuals affected with RP1-related conditions. ClinVar contains an entry for this variant (Variation ID: 910944). An algorithm developed to predict the effect of missense changes on protein structure and function (PolyPhen-2) suggests that this variant is likely to be tolerated. In summary, the available evidence is currently insufficient to determine the role of this variant in disease. Therefore, it has been classified as a Variant of Uncertain Significance.

Illumina Laboratory Services, Illumina
Classification: Uncertain significance for Retinitis pigmentosa. Last evaluated: 2018-01-13. Review status: criteria provided, single submitter. Criteria: ICSL Variant Classification Criteria 13 December 2019. Collection method: clinical testing. Allele origin: germline.